The following is an entry in ClinVar:

ClinVar aggregate classification (germline): Conflicting classifications of pathogenicity. Review status: criteria provided, conflicting classifications (1 of 4 stars). 4 submissions from 4 submitters: Uncertain significance (2); Likely benign (2). Last evaluated 2026-01-21.

Conditions:
Developmental and epileptic encephalopathy 91. Also called: EPILEPTIC ENCEPHALOPATHY, INFANTILE OR EARLY CHILDHOOD, 1. Identifiers: MedGen C4540199, MONDO:0020630, OMIM 617711.
Arthrogryposis, cleft palate, craniosynostosis, and impaired intellectual development. Identifiers: Orphanet 565858, MedGen C4748872, MONDO:0032642, OMIM 618265.
Inborn genetic diseases. Identifiers: MedGen C0950123, MeSH D030342.

Allele frequency attached by ClinVar (database versions not stated): gnomAD 0.00001; gnomAD exomes 0.00002 and 0.00003; ExAC 0.00003.
gnomAD v4.1: 29 of 1,591,828 alleles (0.0018%); highest among the groups gnomAD compares: Non-Finnish European, 0.0023%; no homozygotes.

Submissions (4):

Labcorp Genetics (formerly Invitae), Labcorp
Classification: Uncertain significance. Last evaluated: 2026-01-21. Review status: criteria provided, single submitter. Criteria: Invitae Variant Classification Sherloc (09022015). Collection method: clinical testing. Allele origin: germline.
Comment: This sequence change replaces asparagine, which is neutral and polar, with serine, which is neutral and polar, at codon 513 of the PPP3CA protein (p.Asn513Ser). This variant is present in population databases (rs199874915, gnomAD 0.007%). This variant has not been reported in the literature in individuals affected with PPP3CA-related conditions. ClinVar contains an entry for this variant (Variation ID: 1474325). Experimental studies and prediction algorithms are not available or were not evaluated, and the functional significance of this variant is currently unknown. In summary, the available evidence is currently insufficient to determine the role of this variant in disease. Therefore, it has been classified as a Variant of Uncertain Significance.

Blueprint Genetics
Classification: Likely benign. Last evaluated: 2024-09-20. Review status: criteria provided, single submitter. Criteria: ACMG Guidelines, 2015. Collection method: clinical testing. Allele origin: germline.

Ambry Genetics
Classification: Likely benign for Inborn genetic diseases. Last evaluated: 2024-08-26. Review status: criteria provided, single submitter. Criteria: Ambry Variant Classification Scheme 2023. Collection method: clinical testing. Allele origin: germline.

Fulgent Genetics
Classification: Uncertain significance for Developmental and epileptic encephalopathy 91; Arthrogryposis, cleft palate, craniosynostosis, and impaired intellectual development. Last evaluated: 2022-04-14. Review status: criteria provided, single submitter. Criteria: ACMG Guidelines, 2015. Collection method: clinical testing. Allele origin: unknown.

NM_000944.5(PPP3CA):c.1538A>G (p.Asn513Ser)

Gene: PPP3CA (protein phosphatase 3 catalytic subunit alpha; minus strand). Cytogenetic location: 4q24.
Variant type: single nucleotide variant.
Coding change: c.1538A>G on transcript NM_000944.5 (MANE Select); coding-DNA position 1538, A replaced by G.
Protein change: p.Asn513Ser; replaces asparagine 513 with serine.
Molecular consequence: missense variant.
Genome position (GRCh38, 1-based): chr4:101,025,893, T>C on the plus strand (A>G on the coding strand, the complement: PPP3CA is on the minus strand). VCF-style: chr4-101025893-T-C. GRCh37 (hg19) VCF-style: chr4-101947050-T-C.
Other names: c.1538A>G (NM_000944.4); c.1508A>G, p.Asn503Ser (NM_001130691.2); c.1382A>G, p.Asn461Ser (NM_001130692.2); short protein forms N513S, N461S, N503S.
Identifiers: ClinVar variation 1474325 (VCV001474325.9), dbSNP rs199874915, ClinGen allele CA3024217.
Genomic context (GRCh38, chr4:101,025,893, plus strand): 5'-AAAAAAAAAAAAAAAAAGTGAACAGGAAGTGGTCACTGAATATTGCTGCTATTACTGCCA[T>C]TGCTGTCCGTGCCGTTAGTCTCTGAGGTGAGAGCCTTGTTGATGGAGTTAAGGTTGGCGT-3'
Protein context (NP_000935.1, residues 503-521): LTSETNGTDS[Asn513Ser]GSNSSNIQ